The following is an entry in ClinVar:

NM_182914.3(SYNE2):c.15788C>T (p.Thr5263Ile)

Gene: SYNE2 (spectrin repeat containing nuclear envelope protein 2; plus strand). Cytogenetic location: 14q23.2.
Variant type: single nucleotide variant.
Coding change: c.15788C>T on transcript NM_182914.3 (MANE Select); coding-DNA position 15788, C replaced by T.
Protein change: p.Thr5263Ile; replaces threonine 5263 with isoleucine.
Molecular consequence: missense variant.
Genome position (GRCh38, 1-based): chr14:64,152,712, C>T. VCF-style: chr14-64152712-C-T. GRCh37 (hg19) VCF-style: chr14-64619430-C-T.
Other names: c.15788C>T, p.Thr5263Ile (NM_015180.6); short protein forms T5263I.
Identifiers: ClinVar variation 858664 (VCV000858664.12), dbSNP rs566704933, ClinGen allele CA7223182.

ClinVar aggregate classification (germline): Uncertain significance. Review status: criteria provided, multiple submitters, no conflicts (2 of 4 stars). 3 submissions from 3 submitters: Uncertain significance (3). Last evaluated 2025-03-17.

Conditions:
Emery-Dreifuss muscular dystrophy 5, autosomal dominant (EDMD5). Also called: EMERY-DREIFUSS MUSCULAR DYSTROPHY 5. Identifiers: Orphanet 261, MedGen C2751805, MONDO:0013072, OMIM 612999.

Allele frequency attached by ClinVar (database versions not stated): gnomAD 0.00001 and 0.00002; TOPMed 0.00001; ExAC 0.00002; gnomAD exomes 0.00003; 1000 Genomes Project 0.00040; 1000 Genomes Project 30x 0.00047.
gnomAD v4.1: 9 of 1,614,062 alleles (0.00056%); highest among the groups gnomAD compares: East Asian, 0.02%; no homozygotes.

Submissions (3):

Women's Health and Genetics/Laboratory Corporation of America, LabCorp
Classification: Uncertain significance. Last evaluated: 2025-03-17. Review status: criteria provided, single submitter. Criteria: LabCorp Variant Classification Summary - May 2015. Collection method: clinical testing. Allele origin: germline.
Comment: Variant summary: SYNE2 c.15788C>T (p.Thr5263Ile) results in a non-conservative amino acid change in the encoded protein sequence. Three of five in-silico tools predict a benign effect of the variant on protein function. The variant allele was found at a frequency of 2.8e-05 in 250820 control chromosomes. The available data on variant occurrences in the general population are insufficient to allow any conclusion about variant significance. To our knowledge, no occurrence of c.15788C>T in individuals affected with Emery-Dreifuss muscular dystrophy 5, autosomal dominant and no experimental evidence demonstrating its impact on protein function have been reported. ClinVar contains an entry for this variant (Variation ID: 858664). Based on the evidence outlined above, the variant was classified as uncertain significance.

Labcorp Genetics (formerly Invitae), Labcorp
Classification: Uncertain significance for Emery-Dreifuss muscular dystrophy 5, autosomal dominant. Last evaluated: 2025-01-06. Review status: criteria provided, single submitter. Criteria: Invitae Variant Classification Sherloc (09022015). Collection method: clinical testing. Allele origin: germline.
Comment: This sequence change replaces threonine, which is neutral and polar, with isoleucine, which is neutral and non-polar, at codon 5263 of the SYNE2 protein (p.Thr5263Ile). This variant is present in population databases (rs566704933, gnomAD 0.03%). This variant has not been reported in the literature in individuals affected with SYNE2-related conditions. ClinVar contains an entry for this variant (Variation ID: 858664). An algorithm developed to predict the effect of missense changes on protein structure and function (PolyPhen-2) suggests that this variant is likely to be tolerated. In summary, the available evidence is currently insufficient to determine the role of this variant in disease. Therefore, it has been classified as a Variant of Uncertain Significance.

Revvity Omics, Revvity
Classification: Uncertain significance for Emery-Dreifuss muscular dystrophy 5, autosomal dominant. Last evaluated: 2023-11-30. Review status: criteria provided, single submitter. Criteria: ACMG Guidelines, 2015. Collection method: clinical testing. Allele origin: germline.